The following is an entry in ClinVar:

NM_001048174.2(MUTYH):c.900C>A (p.Asp300Glu)

Gene: MUTYH (mutY DNA glycosylase; minus strand). Cytogenetic location: 1p34.1.
Variant type: single nucleotide variant.
Coding change: c.900C>A on transcript NM_001048174.2 (MANE Select); coding-DNA position 900, C replaced by A.
Protein change: p.Asp300Glu; replaces aspartic acid 300 with glutamic acid.
Molecular consequence: missense variant. On other transcripts: non-coding transcript variant (2).
Genome position (GRCh38, 1-based): chr1:45,332,036, G>T on the plus strand (C>A on the coding strand, the complement: MUTYH is on the minus strand). VCF-style: chr1-45332036-G-T. GRCh37 (hg19) VCF-style: chr1-45797708-G-T.
Other names: c.900C>A, p.Asp300Glu (NM_001048171.2, NM_001048173.2, NM_001293195.2); c.903C>A, p.Asp301Glu (NM_001048172.2); c.984C>A, p.Asp328Glu (NM_001128425.2); c.945C>A, p.Asp315Glu (NM_001293190.2); c.933C>A, p.Asp311Glu (NM_001293191.2); c.624C>A, p.Asp208Glu (NM_001293192.2, NM_001293196.2); c.555C>A, p.Asp185Glu (NM_001350650.2, NM_001350651.2); c.975C>A, p.Asp325Glu (NM_012222.3); short protein forms D328E, D300E, D301E, D311E, D325E, D208E, D315E, D185E.
Identifiers: ClinVar variation 246240 (VCV000246240.19), dbSNP rs587780752, ClinGen allele CA10584148.

ClinVar aggregate classification (germline): Conflicting classifications of pathogenicity. Review status: criteria provided, conflicting classifications (1 of 4 stars). 5 submissions from 5 submitters: Uncertain significance (4); Likely benign (1). Last evaluated 2026-01-31.

Conditions:
Familial adenomatous polyposis 2. Also called: FAP type 2; MUTYH Polyposis; MUTYH-related attenuated familial adenomatous polyposis; COLORECTAL ADENOMATOUS POLYPOSIS, AUTOSOMAL RECESSIVE; ADENOMAS, MULTIPLE COLORECTAL, AUTOSOMAL RECESSIVE; Adenomas, multiple colorectal. Identifiers: Orphanet 220460, Orphanet 247798, MedGen C3272841, MONDO:0012041, OMIM 608456.
Hereditary cancer-predisposing syndrome. Also called: Tumor predisposition; Hereditary neoplastic syndrome; Neoplastic Syndromes, Hereditary; Hereditary Cancer Syndrome. Identifiers: Orphanet 140162, MedGen C0027672, MeSH D009386, MONDO:0015356.

gnomAD v4.1: 1 of 1,614,092 alleles (0.000062%); highest among the groups gnomAD compares: Non-Finnish European, 0.000085%; no homozygotes.

Submissions (5):

Labcorp Genetics (formerly Invitae), Labcorp
Classification: Uncertain significance for Familial adenomatous polyposis 2. Last evaluated: 2026-01-31. Review status: criteria provided, single submitter. Criteria: Invitae Variant Classification Sherloc (09022015). Collection method: clinical testing. Allele origin: germline.
Comment: This sequence change replaces aspartic acid, which is acidic and polar, with glutamic acid, which is acidic and polar, at codon 328 of the MUTYH protein (p.Asp328Glu). This variant is not present in population databases (gnomAD no frequency). This variant has not been reported in the literature in individuals affected with MUTYH-related conditions. ClinVar contains an entry for this variant (Variation ID: 246240). An algorithm developed to predict the effect of missense changes on protein structure and function (PolyPhen-2) suggests that this variant is likely to be tolerated. In summary, the available evidence is currently insufficient to determine the role of this variant in disease. Therefore, it has been classified as a Variant of Uncertain Significance.

Ambry Genetics
Classification: Likely benign for Hereditary cancer-predisposing syndrome. Last evaluated: 2024-06-12. Review status: criteria provided, single submitter. Criteria: Ambry Variant Classification Scheme 2023. Collection method: clinical testing. Allele origin: germline.

All of Us Research Program, National Institutes of Health
Classification: Uncertain significance for Familial adenomatous polyposis 2. Last evaluated: 2023-05-31. Review status: criteria provided, single submitter. Criteria: ACMG Guidelines, 2015. Collection method: clinical testing. Allele origin: germline. Inheritance: Autosomal recessive inheritance. Observed: 1 variant allele, 1 heterozygote.
Comment: This study involves interpretation of variants in research participants for the purpose of population health screening. Participant phenotype was not available at the time of variant classification. Additional details can be found in publication PMID: 35346344, PMCID: PMC8962531

GeneDx
Classification: Uncertain significance. Last evaluated: 2020-04-01. Review status: criteria provided, single submitter. Criteria: GeneDx Variant Classification Process June 2021. Collection method: clinical testing. Allele origin: germline. Affected: yes.
Comment: Not observed in large population cohorts (Lek 2016); In silico analysis supports that this missense variant does not alter protein structure/function; Has not been previously published as pathogenic or benign to our knowledge

Color Diagnostics, LLC DBA Color Health
Classification: Uncertain significance for Hereditary cancer-predisposing syndrome. Last evaluated: 2019-06-29. Review status: criteria provided, single submitter. Criteria: ACMG Guidelines, 2015. Collection method: clinical testing. Allele origin: germline.

Literature cited by the submitters: PubMed 28944238 (cited by Ambry Genetics).